The following is an entry in ClinVar:

NM_006005.3(WFS1):c.76C>T (p.Arg26Ter)

Gene: WFS1 (wolframin ER transmembrane glycoprotein; plus strand). Cytogenetic location: 4p16.1.
Variant type: single nucleotide variant.
Coding change: c.76C>T on transcript NM_006005.3 (MANE Select); coding-DNA position 76, C replaced by T.
Protein change: p.Arg26Ter; replaces arginine 26 with a stop codon.
Molecular consequence: nonsense.
Genome position (GRCh38, 1-based): chr4:6,277,531, C>T. VCF-style: chr4-6277531-C-T. GRCh37 (hg19) VCF-style: chr4-6279258-C-T.
Other names: c.76C>T, p.Arg26Ter (NM_001145853.1); short protein forms R26*.
Identifiers: ClinVar variation 1179030 (VCV001179030.8), dbSNP rs747658523, ClinGen allele CA2838791.

ClinVar aggregate classification (germline): Pathogenic/Likely pathogenic. Review status: criteria provided, multiple submitters, no conflicts (2 of 4 stars). 5 submissions from 5 submitters: Pathogenic (3); Likely pathogenic (2). Last evaluated 2024-07-08.

Conditions:
Autosomal dominant nonsyndromic hearing loss 6 (LFSNHL). Also called: DEAFNESS, AUTOSOMAL DOMINANT 6; DEAFNESS, AUTOSOMAL DOMINANT 14; DEAFNESS, AUTOSOMAL DOMINANT 38; Autosomal dominant nonsyndromic deafness 6. Identifiers: Orphanet 90635, MedGen C1833021, MONDO:0010963, OMIM 600965.
Type 2 diabetes mellitus. Also called: Type II diabetes mellitus. Identifiers: MedGen C0011860, MeSH D003924, MONDO:0005148, OMIM 125853, HP:0005978.
Cataract 41 (CTRCT41). Also called: CATARACT 41, CONGENITAL NUCLEAR TYPE. Identifiers: Orphanet 91492, Orphanet 98991, Orphanet 98992, Orphanet 98995, MedGen C3805412, MONDO:0007287, OMIM 116400.
Wolfram syndrome 1 (WFS1). Identifiers: Orphanet 3463, MedGen C4551693, MONDO:0009101, OMIM 222300.
Wolfram-like syndrome. Also called: HEARING LOSS, PROGRESSIVE, WITH OPTIC ATROPHY AND/OR IMPAIRED GLUCOSE REGULATION. Identifiers: Orphanet 411590, MedGen C3280358, MONDO:0013673, OMIM 614296.
WFS1-related disorder. Identifiers: MedGen CN379391, MONDO:0700293.

Allele frequency attached by ClinVar (database versions not stated): gnomAD 0.00001.

Submissions (5):

Palindrome, Gene Kavoshgaran Aria
Classification: Pathogenic for Wolfram syndrome 1. Last evaluated: 2024-07-08. Review status: criteria provided, single submitter. Criteria: ACMG Guidelines, 2015. Collection method: clinical testing. Allele origin: germline. Inheritance: Autosomal dominant inheritance. Affected: yes. Observed: 1 homozygote.

Fulgent Genetics
Classification: Pathogenic for Cataract 41; Type 2 diabetes mellitus; Wolfram syndrome 1; Autosomal dominant nonsyndromic hearing loss 6; Wolfram-like syndrome. Last evaluated: 2022-02-02. Review status: criteria provided, single submitter. Criteria: ACMG Guidelines, 2015. Collection method: clinical testing. Allele origin: unknown.

Victorian Clinical Genetics Services, Murdoch Childrens Research Institute
Classification: Pathogenic for Wolfram syndrome 1. Last evaluated: 2020-05-21. Review status: criteria provided, single submitter. Criteria: ACMG Guidelines, 2015. Collection method: clinical testing. Allele origin: germline. Affected: yes.
Comment: A heterozygous nonsense variant was identified, NM_006005.3(WFS1):c.76C>T in exon 2 of 8 of the WFS1 gene. This nonsense variant is predicted to create a change of an arginine to a stop at amino acid position 26 of the protein; NP_005996.2(WFS1):p.(Arg26*), resulting in the loss of normal protein function through nonsense-mediated decay (NMD). The variant is not present in the gnomAD population database. The variant has been previously reported in a patient with Wolfram syndrome (Hu, X. et al. (2018)), and as a VUS (deafnessvariationdatabase). Other variants predicted to cause NMD, have also been reported as pathogenic in individuals with Wolfram syndrome (ClinVar). Based on information available at the time of curation, this variant has been classified as PATHOGENIC. Legend: (P) - Pathogenic, (N) - Neutral, (B) - Benign

Blueprint Genetics
Classification: Likely pathogenic for WFS1-related disorders. Last evaluated: 2019-03-07. Review status: criteria provided, single submitter. Criteria: ACMG Guidelines, 2015. Collection method: clinical testing. Allele origin: germline. Affected: yes. Observed: 1 variant allele.

Juno Genomics, Hangzhou Juno Genomics, Inc
Classification: Likely pathogenic for Wolfram syndrome 1. Review status: criteria provided, single submitter. Criteria: ACMG Guidelines, 2015. Collection method: clinical testing. Allele origin: germline.
Comment: Null variant in a gene where loss of function (LOF) is a known mechanism of disease.;Absent from controls (or at extremely low frequency if recessive) in Genome Aggregation Database.

Literature cited by the submitters: PubMed 29095814 (cited by Victorian Clinical Genetics Services, Murdoch Childrens Research Institute).